The following is an entry in ClinVar:

NM_005475.3(SH2B3):c.209T>C (p.Leu70Pro)

Gene: SH2B3 (SH2B adaptor protein 3; plus strand). Cytogenetic location: 12q24.12.
Variant type: single nucleotide variant.
Coding change: c.209T>C on transcript NM_005475.3 (MANE Select); coding-DNA position 209, T replaced by C.
Protein change: p.Leu70Pro; replaces leucine 70 with proline.
Molecular consequence: missense variant.
Genome position (GRCh38, 1-based): chr12:111,418,354, T>C. VCF-style: chr12-111418354-T-C. GRCh37 (hg19) VCF-style: chr12-111856158-T-C.
Other names: short protein forms L70P.
Identifiers: ClinVar variation 3953406 (VCV003953406.1).
Genomic context (GRCh38, chr12:111,418,354, plus strand): 5'-GGGAGCATCCGCAGCACGCGCCGCTGCGCGCCGAGCTGGTGTCGCTGCAGTTCACCGACC[T>C]CTTCCAGCGCTACTTCTGCCGCGAGGTGCGCGACGGACGGGCGCCGGGCCGCGACTACCG-3'
Protein context (NP_005466.1, residues 60-80): AELVSLQFTD[Leu70Pro]FQRYFCREVR

ClinVar aggregate classification (germline): Uncertain significance (1 of 4 stars; one submission).

Conditions:
Inborn genetic diseases. Identifiers: MedGen C0950123, MeSH D030342.

Submission:

Ambry Genetics
Classification: Uncertain significance for Inborn genetic diseases. Last evaluated: 2025-03-30. Review status: criteria provided, single submitter. Criteria: Ambry Variant Classification Scheme 2023. Collection method: clinical testing. Allele origin: germline.
Comment: The p.L70P variant (also known as c.209T>C), located in coding exon 1 of the SH2B3 gene, results from a T to C substitution at nucleotide position 209. The leucine at codon 70 is replaced by proline, an amino acid with similar properties. This amino acid position is conserved. In addition, the in silico prediction for this alteration is inconclusive. Based on the available evidence, the clinical significance of this variant remains unclear.